The following is an entry in ClinVar:

NM_177924.5(ASAH1):c.53dup (p.Cys18fs)

Gene: ASAH1 (N-acylsphingosine amidohydrolase 1; minus strand). Cytogenetic location: 8p22.
Variant type: Duplication.
Coding change: c.53dup on transcript NM_177924.5 (MANE Select); coding-DNA position 53, one base duplicated (G; older notation c.53dupG).
Protein change: p.Cys18fs; shifts the reading frame from cysteine 18.
Molecular consequence: frameshift variant. On other transcripts: intron variant (2).
Genome position (GRCh38, 1-based): chr8:18,084,006, C duplicated on the plus strand (G on the coding strand, the reverse complement: ASAH1 is on the minus strand). VCF-style (leftmost placement, unchanged base first): chr8-18084005-A-AC. GRCh37 (hg19) VCF-style: chr8-17941514-A-AC.
Other names: c.126+670dup (NM_004315.6, NM_001127505.3); short protein forms C18fs.
Identifiers: ClinVar variation 2743733 (VCV002743733.3), dbSNP rs2537996860, ClinGen allele CA2686318843.

ClinVar aggregate classification (germline): Pathogenic (1 of 4 stars; one submission).

Allele frequency attached by ClinVar (database versions not stated): gnomAD exomes below 0.00001.

Submission:

Labcorp Genetics (formerly Invitae), Labcorp
Classification: Pathogenic. Last evaluated: 2023-07-16. Review status: criteria provided, single submitter. Criteria: Invitae Variant Classification Sherloc (09022015). Collection method: clinical testing. Allele origin: germline.
Comment: For these reasons, this variant has been classified as Pathogenic. This variant has not been reported in the literature in individuals affected with ASAH1-related conditions. This variant is not present in population databases (gnomAD no frequency). This sequence change creates a premature translational stop signal (p.Cys18Trpfs*38) in the ASAH1 gene. It is expected to result in an absent or disrupted protein product. Loss-of-function variants in ASAH1 are known to be pathogenic (PMID: 24164096, 24355074).

Literature cited by the submitters: PubMed 24164096; PubMed 24355074.